The following is an entry in ClinVar:

ClinVar aggregate classification (germline): Uncertain significance (1 of 4 stars; one submission).

Conditions:
Neuropathy, hereditary sensory, type 2C. Also called: Hereditary sensory and autonomic neuropathy type IIC; KIF1A-Related HSAN2 (HSAN2C). Identifiers: Orphanet 970, MedGen C3280168, MONDO:0013634, OMIM 614213.
Intellectual disability, autosomal dominant 9 (NESCAVS). Also called: KIF1A-Related Neurodevelopmental Disorder; NESCAV SYNDROME. Identifiers: Orphanet 662367, MedGen C5393830, MONDO:0013656, OMIM 614255.
Hereditary spastic paraplegia 30. Identifiers: Orphanet 101010, MedGen C5235139, MONDO:0012476.

Submission:

Labcorp Genetics (formerly Invitae), Labcorp
Classification: Uncertain significance for Hereditary spastic paraplegia 30; Neuropathy, hereditary sensory, type 2C; Intellectual disability, autosomal dominant 9. Last evaluated: 2020-08-14. Review status: criteria provided, single submitter. Criteria: Invitae Variant Classification Sherloc (09022015). Collection method: clinical testing. Allele origin: germline.
Comment: In summary, the available evidence is currently insufficient to determine the role of this variant in disease. Therefore, it has been classified as a Variant of Uncertain Significance. Algorithms developed to predict the effect of sequence changes on RNA splicing suggest that this variant may create or strengthen a splice site, but this prediction has not been confirmed by published transcriptional studies. Advanced modeling of protein sequence and biophysical properties (such as structural, functional, and spatial information, amino acid conservation, physicochemical variation, residue mobility, and thermodynamic stability) performed at Invitae indicates that this missense variant is not expected to disrupt KIF1A protein function. This variant has not been reported in the literature in individuals with KIF1A-related conditions. This sequence change replaces glycine with serine at codon 429 of the KIF1A protein (p.Gly429Ser). The glycine residue is highly conserved and there is a small physicochemical difference between glycine and serine. This variant is not present in population databases (ExAC no frequency).

NM_001244008.2(KIF1A):c.1312G>A (p.Gly438Ser)

Gene: KIF1A (kinesin family member 1A; minus strand). Cytogenetic location: 2q37.3.
Variant type: single nucleotide variant.
Coding change: c.1312G>A on transcript NM_001244008.2 (MANE Select); coding-DNA position 1312, G replaced by A.
Protein change: p.Gly438Ser; replaces glycine 438 with serine.
Molecular consequence: missense variant.
Genome position (GRCh38, 1-based): chr2:240,771,000, C>T on the plus strand (G>A on the coding strand, the complement: KIF1A is on the minus strand). VCF-style: chr2-240771000-C-T. GRCh37 (hg19) VCF-style: chr2-241710417-C-T.
Other names: c.1312G>A, p.Gly438Ser (NM_001320705.2, NM_001330289.2, NM_001379638.1); c.1387G>A, p.Gly463Ser (NM_001330290.2, NM_001379631.1, NM_001379634.1 and 2 more transcripts); c.1285G>A, p.Gly429Ser (NM_001379632.1, NM_001379633.1, NM_001379636.1 and 10 more transcripts); c.1360G>A, p.Gly454Ser (NM_001379637.1, NM_001379648.1); short protein forms G429S, G454S, G438S, G463S.
Identifiers: ClinVar variation 1044503 (VCV001044503.9), dbSNP rs2051886232, ClinGen allele CA351330463.